The following is an entry in ClinVar:

ClinVar aggregate classification (germline): Likely pathogenic (1 of 4 stars; one submission).

Conditions:
Charcot-Marie-Tooth disease type 2. Also called: Charcot-Marie-Tooth type 2. Identifiers: Orphanet 64746, MedGen C0270914, MONDO:0018993.

Submissions (2):

Labcorp Genetics (formerly Invitae), Labcorp
Classification: Likely pathogenic for Charcot-Marie-Tooth disease type 2. Last evaluated: 2024-05-13. Review status: criteria provided, single submitter. Criteria: Invitae Variant Classification Sherloc (09022015). Collection method: clinical testing. Allele origin: germline.
Comment: This sequence change replaces aspartic acid, which is acidic and polar, with asparagine, which is neutral and polar, at codon 446 of the LMNA protein (p.Asp446Asn). This variant is not present in population databases (gnomAD no frequency). This variant has not been reported in the literature in individuals affected with LMNA-related conditions. Advanced modeling of protein sequence and biophysical properties (such as structural, functional, and spatial information, amino acid conservation, physicochemical variation, residue mobility, and thermodynamic stability) performed at Invitae indicates that this missense variant is expected to disrupt LMNA protein function with a positive predictive value of 95%. This variant disrupts the p.Asp446 amino acid residue in LMNA. Other variant(s) that disrupt this residue have been determined to be pathogenic (PMID: 14684700, 24623722, 27534416, 30107846; Invitae). This suggests that this residue is clinically significant, and that variants that disrupt this residue are likely to be disease-causing. In summary, the currently available evidence indicates that the variant is pathogenic, but additional data are needed to prove that conclusively. Therefore, this variant has been classified as Likely Pathogenic.

Dr. Peter K. Rogan Lab, Western University
No classification provided (evidence only). Condition: Hepatocellular carcinoma. Review status: no classification provided. Collection method: in vitro. Allele origin: not applicable. Functional consequence: retained intron. Not counted in ClinVar's aggregate classification.

Literature cited by the submitters: PubMed 14684700 (cited by Labcorp Genetics (formerly Invitae), Labcorp); PubMed 24623722 (cited by Labcorp Genetics (formerly Invitae), Labcorp); PubMed 27534416 (cited by Labcorp Genetics (formerly Invitae), Labcorp); PubMed 30107846 (cited by Labcorp Genetics (formerly Invitae), Labcorp).

NM_170707.4(LMNA):c.1336G>A (p.Asp446Asn)

Gene: LMNA (lamin A/C; plus strand). Cytogenetic location: 1q22.
Variant type: single nucleotide variant.
Coding change: c.1336G>A on transcript NM_170707.4 (MANE Select); coding-DNA position 1336, G replaced by A.
Protein change: p.Asp446Asn; replaces aspartic acid 446 with asparagine.
Molecular consequence: missense variant.
Genome position (GRCh38, 1-based): chr1:156,136,392, G>A. VCF-style: chr1-156136392-G-A. GRCh37 (hg19) VCF-style: chr1-156106183-G-A.
Other names: c.1000G>A, p.Asp334Asn (NM_001257374.3, NM_001406989.1, NM_001406998.1); c.1093G>A, p.Asp365Asn (NM_001282624.2, NM_001406986.1, NM_001406987.1); c.1336G>A, p.Asp446Asn (NM_001282625.2, NM_001282626.2, NM_001406983.1 and 6 more transcripts); c.1039G>A, p.Asp347Asn (NM_001406988.1); c.778G>A, p.Asp260Asn (NM_001406990.1, NM_001406993.1, NM_001406995.1 and 4 more transcripts); c.712G>A, p.Asp238Asn (NM_001406994.1, NM_001406999.1, NM_001407000.1 and 1 more transcripts); short protein forms D334N, D347N, D260N, D238N, D365N, D446N.
Identifiers: ClinVar variation 3633636 (VCV003633636.3).